The following is an entry in ClinVar:

ClinVar aggregate classification (germline): Uncertain significance (1 of 4 stars; one submission).

Allele frequency attached by ClinVar (database versions not stated): gnomAD exomes 0.00001; ExAC 0.00002.
gnomAD v4.1: 5 of 1,614,164 alleles (0.00031%); highest among the groups gnomAD compares: Non-Finnish European, 0.00017%; no homozygotes.

Submission:

Ambry Genetics
Classification: Uncertain significance. Last evaluated: 2024-11-05. Review status: criteria provided, single submitter. Criteria: Ambry Variant Classification Scheme 2023. Collection method: clinical testing. Allele origin: germline.
Comment: The p.H89Y variant (also known as c.265C>T), located in coding exon 1 of the PALLD gene, results from a C to T substitution at nucleotide position 265. The histidine at codon 89 is replaced by tyrosine, an amino acid with similar properties. This amino acid position is conserved. In addition, this alteration is predicted to be tolerated by in silico analysis. Since supporting evidence is limited at this time, the clinical significance of this alteration remains unclear.

NM_001166108.2(PALLD):c.265C>T (p.His89Tyr)

Gene: PALLD (palladin, cytoskeletal associated protein; plus strand). Cytogenetic location: 4q32.3.
Variant type: single nucleotide variant.
Coding change: c.265C>T on transcript NM_001166108.2 (MANE Select); coding-DNA position 265, C replaced by T.
Protein change: p.His89Tyr; replaces histidine 89 with tyrosine.
Molecular consequence: missense variant.
Genome position (GRCh38, 1-based): chr4:168,511,769, C>T. VCF-style: chr4-168511769-C-T. GRCh37 (hg19) VCF-style: chr4-169432920-C-T.
Other names: c.265C>T, p.His89Tyr (NM_016081.4); short protein forms H89Y.
Identifiers: ClinVar variation 2447247 (VCV002447247.3), dbSNP rs749406229, ClinGen allele CA3135330.